The following is an entry in ClinVar:

NM_007194.4(CHEK2):c.1611T>A (p.Ala537=)

Gene: CHEK2 (checkpoint kinase 2; minus strand). Cytogenetic location: 22q12.1.
Variant type: single nucleotide variant.
Coding change: c.1611T>A on transcript NM_007194.4 (MANE Select); coding-DNA position 1611, T replaced by A.
Protein change: p.Ala537=; no amino-acid change (alanine 537 retained).
Molecular consequence: synonymous variant.
Genome position (GRCh38, 1-based): chr22:28,687,918, A>T on the plus strand (T>A on the coding strand, the complement: CHEK2 is on the minus strand). VCF-style: chr22-28687918-A-T. GRCh37 (hg19) VCF-style: chr22-29083906-A-T.
Other names: c.1740T>A, p.Ala580= (NM_001005735.3); c.948T>A, p.Ala316= (NM_001257387.3); c.1410T>A, p.Ala470= (NM_001349956.3); c.1524T>A, p.Ala508= (NM_145862.3).
Identifiers: ClinVar variation 382258 (VCV000382258.16), dbSNP rs1057521299, ClinGen allele CA16608593.
Genomic context (GRCh38, chr22:28,687,918, plus strand): 5'-GAAAGAAGGTACATTTCTTTCGTGTTCAAACCACGGAGTTCACAACACAGCAGCACACAC[A>T]GCTGGGCGCTTTGTGGTCTCGGCACCCTCGGCTTCCCCTTCACGGGGCCGCTTTCGACTA-3'
Protein context (NP_009125.1, residues 527-543): AEGAETTKRP[Ala537=]VCAAVL

ClinVar aggregate classification (germline): Benign/Likely benign. Review status: criteria provided, multiple submitters, no conflicts (2 of 4 stars). 4 submissions from 4 submitters: Benign (1); Likely benign (3). Last evaluated 2024-10-09.

Conditions:
Familial cancer of breast. Also called: hereditary breast carcinoma; Hereditary breast cancer; BREAST CANCER, FAMILIAL. Identifiers: Orphanet 227535, MedGen C0346153, MONDO:0016419, OMIM 114480. Disease mechanism: loss of function.
Hereditary cancer-predisposing syndrome. Also called: Tumor predisposition; Hereditary neoplastic syndrome; Neoplastic Syndromes, Hereditary; Hereditary Cancer Syndrome. Identifiers: Orphanet 140162, MedGen C0027672, MeSH D009386, MONDO:0015356.

Submissions (4):

Myriad Genetics, Inc.
Classification: Benign for Familial cancer of breast. Last evaluated: 2024-10-09. Review status: criteria provided, single submitter. Criteria: Myriad Autosomal Dominant, Autosomal Recessive and X-Linked Classification Criteria (2023). Collection method: clinical testing. Allele origin: unknown.
Comment: This variant is considered benign. This variant is a silent/synonymous amino acid change and it is not expected to impact splicing.

Labcorp Genetics (formerly Invitae), Labcorp
Classification: Likely benign for Familial cancer of breast. Last evaluated: 2023-06-27. Review status: criteria provided, single submitter. Criteria: Invitae Variant Classification Sherloc (09022015). Collection method: clinical testing. Allele origin: germline.

Ambry Genetics
Classification: Likely benign for Hereditary cancer-predisposing syndrome. Last evaluated: 2019-12-05. Review status: criteria provided, single submitter. Criteria: Ambry Variant Classification Scheme 2023. Collection method: clinical testing. Allele origin: germline.

GeneDx
Classification: Likely benign. Last evaluated: 2015-12-14. Review status: criteria provided, single submitter. Criteria: GeneDx Variant Classification (06012015). Collection method: clinical testing. Allele origin: germline. Affected: yes.
Comment: This variant is considered likely benign or benign based on one or more of the following criteria: it is a conservative change, it occurs at a poorly conserved position in the protein, it is predicted to be benign by multiple in silico algorithms, and/or has population frequency not consistent with disease.